The following is an entry in ClinVar:

ClinVar aggregate classification (germline): Likely benign (1 of 4 stars; one submission).

gnomAD v4.1: 13,956 of 1,551,540 alleles (0.9%); highest among the groups gnomAD compares: Non-Finnish European, 0.87%; 121 homozygotes.

Submission:

CeGaT Center for Human Genetics Tuebingen
Classification: Likely benign. Last evaluated: 2025-06-01. Review status: criteria provided, single submitter. Criteria: CeGaT Center For Human Genetics Tuebingen Variant Classification Criteria Version 2. Collection method: clinical testing. Allele origin: germline. Affected: yes. Observed: 1 variant allele.
Comment: FAM186A: BP4, BS2

NM_001145475.3(FAM186A):c.5158G>T (p.Ala1720Ser)

Gene: FAM186A (family with sequence similarity 186 member A; minus strand). Cytogenetic location: 12q13.12.
Variant type: single nucleotide variant.
Coding change: c.5158G>T on transcript NM_001145475.3 (MANE Select); coding-DNA position 5158, G replaced by T.
Protein change: p.Ala1720Ser; replaces alanine 1720 with serine.
Molecular consequence: missense variant.
Genome position (GRCh38, 1-based): chr12:50,351,674, C>A on the plus strand (G>T on the coding strand, the complement: FAM186A is on the minus strand). VCF-style: chr12-50351674-C-A. GRCh37 (hg19) VCF-style: chr12-50745457-C-A.
Other names: short protein forms A1720S.
Identifiers: ClinVar variation 3904860 (VCV003904860.10).
Genomic context (GRCh38, chr12:50,351,674, plus strand): 5'-GGGACAGCCTAAGACTTGGAGACAATCTTGATATGATGGATTGCCCAGTGGGGAGAGAAG[C>A]CTTCGATTTCTGAAATGGTCTATGGGACCACTGGACTTGCTTAAGGGTGAGGGGCGATCC-3'
Protein context (NP_001138947.1, residues 1710-1730): WSHRPFQKSK[Ala1720Ser]SLPTGQSIIS